The following is an entry in ClinVar:

NM_012213.3(MLYCD):c.104C>T (p.Ala35Val)

Genes: MLYCD (malonyl-CoA decarboxylase; plus strand), LOC130059554 (ATAC-STARR-seq lymphoblastoid silent region 7769; plus strand). Cytogenetic location: 16q23.3.
Variant type: single nucleotide variant.
Coding change: c.104C>T on transcript NM_012213.3 (MANE Select); coding-DNA position 104, C replaced by T.
Protein change: p.Ala35Val; replaces alanine 35 with valine.
Molecular consequence: missense variant.
Genome position (GRCh38, 1-based): chr16:83,899,248, C>T. VCF-style: chr16-83899248-C-T. GRCh37 (hg19) VCF-style: chr16-83932853-C-T.
Other names: short protein forms A35V.
Identifiers: ClinVar variation 2083557 (VCV002083557.2), dbSNP rs1376979390, ClinGen allele CA396917652.

ClinVar aggregate classification (germline): Uncertain significance (1 of 4 stars; one submission).

Conditions:
Deficiency of malonyl-CoA decarboxylase. Also called: Malonic aciduria; MCD deficiency. Identifiers: Orphanet 943, MedGen C0342793, MONDO:0009556, OMIM 248360.

Allele frequency attached by ClinVar (database versions not stated): TOPMed below 0.00001; gnomAD 0.00001; gnomAD exomes 0.00001.
gnomAD v4.1: 4 of 1,308,954 alleles (0.00031%); highest among the groups gnomAD compares: Non-Finnish European, 0.000097%; no homozygotes.

Submission:

Labcorp Genetics (formerly Invitae), Labcorp
Classification: Uncertain significance for Deficiency of malonyl-CoA decarboxylase. Last evaluated: 2022-08-16. Review status: criteria provided, single submitter. Criteria: Invitae Variant Classification Sherloc (09022015). Collection method: clinical testing. Allele origin: germline.
Comment: In summary, the available evidence is currently insufficient to determine the role of this variant in disease. Therefore, it has been classified as a Variant of Uncertain Significance. Algorithms developed to predict the effect of missense changes on protein structure and function (SIFT, PolyPhen-2, Align-GVGD) all suggest that this variant is likely to be tolerated. This variant has not been reported in the literature in individuals affected with MLYCD-related conditions. This variant is present in population databases (no rsID available, gnomAD 0.02%). This sequence change replaces alanine, which is neutral and non-polar, with valine, which is neutral and non-polar, at codon 35 of the MLYCD protein (p.Ala35Val).